The following is an entry in ClinVar:

NM_001440.4(EXTL3):c.2674C>T (p.Leu892Phe)

Gene: EXTL3 (exostosin like glycosyltransferase 3; plus strand). Cytogenetic location: 8p21.1.
Variant type: single nucleotide variant.
Coding change: c.2674C>T on transcript NM_001440.4 (MANE Select); coding-DNA position 2674, C replaced by T.
Protein change: p.Leu892Phe; replaces leucine 892 with phenylalanine.
Molecular consequence: missense variant. On other transcripts: non-coding transcript variant (1).
Genome position (GRCh38, 1-based): chr8:28,750,780, C>T. VCF-style: chr8-28750780-C-T. GRCh37 (hg19) VCF-style: chr8-28608297-C-T.
Other names: short protein forms L892F.
Identifiers: ClinVar variation 3647310 (VCV003647310.2).

ClinVar aggregate classification (germline): Uncertain significance (1 of 4 stars; one submission).

Submission:

Labcorp Genetics (formerly Invitae), Labcorp
Classification: Uncertain significance. Last evaluated: 2024-03-22. Review status: criteria provided, single submitter. Criteria: Invitae Variant Classification Sherloc (09022015). Collection method: clinical testing. Allele origin: germline.
Comment: This sequence change replaces leucine, which is neutral and non-polar, with phenylalanine, which is neutral and non-polar, at codon 892 of the EXTL3 protein (p.Leu892Phe). This variant is not present in population databases (gnomAD no frequency). This variant has not been reported in the literature in individuals affected with EXTL3-related conditions. Advanced modeling of protein sequence and biophysical properties (such as structural, functional, and spatial information, amino acid conservation, physicochemical variation, residue mobility, and thermodynamic stability) has been performed at Invitae for this missense variant, however the output from this modeling did not meet the statistical confidence thresholds required to predict the impact of this variant on EXTL3 protein function. In summary, the available evidence is currently insufficient to determine the role of this variant in disease. Therefore, it has been classified as a Variant of Uncertain Significance.